The following is an entry in ClinVar:

ClinVar aggregate classification (germline): Uncertain significance. Review status: criteria provided, multiple submitters, no conflicts (2 of 4 stars). 4 submissions from 4 submitters: Uncertain significance (4). Last evaluated 2026-04-27.

Conditions:
PCNT-related disorder. Also called: PCNT-related condition.
Microcephalic osteodysplastic primordial dwarfism type II (MOPD2). Also called: Microcephalic osteodysplastic primordial dwarfism with tooth abnormalities; MOPD II; OSTEODYSPLASTIC PRIMORDIAL DWARFISM, TYPE II. Identifiers: Orphanet 2637, MedGen C0432246, MONDO:0008872, OMIM 210720.
Inborn genetic diseases. Identifiers: MedGen C0950123, MeSH D030342.

Allele frequency attached by ClinVar (database versions not stated): gnomAD exomes below 0.00001; TOPMed below 0.00001.
gnomAD v4.1: 3 of 1,614,164 alleles (0.00019%); highest among the groups gnomAD compares: East Asian, 0.0022%; no homozygotes.

Submissions (4):

PreventionGenetics, part of Exact Sciences
Classification: Uncertain significance for PCNT-related condition. Last evaluated: 2026-04-27. Review status: criteria provided, single submitter. Criteria: ACMG Guidelines, 2015. Collection method: clinical testing. Allele origin: germline.
Comment: The PCNT c.3228G>T variant is predicted to result in the amino acid substitution p.Gln1076His. To our knowledge, this variant has not been reported in the literature or in a large population database (gnomAD), indicating this variant is rare. At this time, the clinical significance of this variant is uncertain due to the absence of conclusive functional and genetic evidence.

Ambry Genetics
Classification: Uncertain significance for Inborn genetic diseases. Last evaluated: 2024-07-31. Review status: criteria provided, single submitter. Criteria: Ambry Variant Classification Scheme 2023. Collection method: clinical testing. Allele origin: germline.

Labcorp Genetics (formerly Invitae), Labcorp
Classification: Uncertain significance. Last evaluated: 2022-08-09. Review status: criteria provided, single submitter. Criteria: Invitae Variant Classification Sherloc (09022015). Collection method: clinical testing. Allele origin: germline.
Comment: This sequence change replaces glutamine, which is neutral and polar, with histidine, which is basic and polar, at codon 1076 of the PCNT protein (p.Gln1076His). This variant is not present in population databases (gnomAD no frequency). This variant has not been reported in the literature in individuals affected with PCNT-related conditions. ClinVar contains an entry for this variant (Variation ID: 1507500). Algorithms developed to predict the effect of missense changes on protein structure and function (SIFT, PolyPhen-2, Align-GVGD) all suggest that this variant is likely to be tolerated. In summary, the available evidence is currently insufficient to determine the role of this variant in disease. Therefore, it has been classified as a Variant of Uncertain Significance.

Fulgent Genetics
Classification: Uncertain significance for Microcephalic osteodysplastic primordial dwarfism type II. Last evaluated: 2021-11-17. Review status: criteria provided, single submitter. Criteria: ACMG Guidelines, 2015. Collection method: clinical testing. Allele origin: unknown.

NM_006031.6(PCNT):c.3228G>T (p.Gln1076His)

Gene: PCNT (pericentrin; plus strand). Cytogenetic location: 21q22.3.
Variant type: single nucleotide variant.
Coding change: c.3228G>T on transcript NM_006031.6 (MANE Select); coding-DNA position 3228, G replaced by T.
Protein change: p.Gln1076His; replaces glutamine 1076 with histidine.
Molecular consequence: missense variant.
Genome position (GRCh38, 1-based): chr21:46,381,756, G>T. VCF-style: chr21-46381756-G-T. GRCh37 (hg19) VCF-style: chr21-47801671-G-T.
Other names: c.2874G>T, p.Gln958His (NM_001315529.2); c.3228G>T (NM_006031.5); short protein forms Q1076H, Q958H.
Identifiers: ClinVar variation 1507500 (VCV001507500.8), dbSNP rs986050062, ClinGen allele CA322019831.